The following is an entry in ClinVar:

NM_007289.4(MME):c.1706A>C (p.Gln569Pro)

Gene: MME (membrane metalloendopeptidase; plus strand). Cytogenetic location: 3q25.2.
Variant type: single nucleotide variant.
Coding change: c.1706A>C on transcript NM_007289.4 (MANE Select); coding-DNA position 1706, A replaced by C.
Protein change: p.Gln569Pro; replaces glutamine 569 with proline.
Molecular consequence: missense variant.
Genome position (GRCh38, 1-based): chr3:155,166,947, A>C. VCF-style: chr3-155166947-A-C. GRCh37 (hg19) VCF-style: chr3-154884736-A-C.
Other names: c.1706A>C, p.Gln569Pro (NM_000902.5, NM_001354642.2, NM_001354643.1 and 2 more transcripts); c.1706A>C (NM_007289.2); short protein forms Q569P.
Identifiers: ClinVar variation 809560 (VCV000809560.44), dbSNP rs1326179984, ClinGen allele CA355218188.
Genomic context (GRCh38, chr3:155,166,947, plus strand): 5'-CTTCTCTCCTTGTAGTCTTCCCAGCCGGCATTCTGCAGCCCCCCTTCTTTAGTGCCCAGC[A>C]GTCCAACTCATTGAACTATGGGGGCATCGGCATGGTCATAGGACACGAAATCACCCATGG-3'
Protein context (NP_009220.2, residues 559-579): ILQPPFFSAQ[Gln569Pro]SNSLNYGGIG

ClinVar aggregate classification (germline): Uncertain significance. Review status: criteria provided, multiple submitters, no conflicts (2 of 4 stars). 4 submissions from 4 submitters: Uncertain significance (4). Last evaluated 2025-06-01.

Conditions:
Spinocerebellar ataxia 43 (SCA43). Identifiers: Orphanet 497764, MedGen C4310763, MONDO:0014867, OMIM 617018.

Allele frequency attached by ClinVar (database versions not stated): gnomAD exomes below 0.00001; TOPMed below 0.00001; gnomAD 0.00001.
gnomAD v4.1: 9 of 1,613,644 alleles (0.00056%); highest among the groups gnomAD compares: Non-Finnish European, 0.00076%; no homozygotes.

Submissions (4):

CeGaT Center for Human Genetics Tuebingen
Classification: Uncertain significance. Last evaluated: 2025-06-01. Review status: criteria provided, single submitter. Criteria: CeGaT Center For Human Genetics Tuebingen Variant Classification Criteria Version 2. Collection method: clinical testing. Allele origin: germline. Affected: yes. Observed: 2 variant alleles.
Comment: MME: PM2

GeneDx
Classification: Uncertain significance. Last evaluated: 2024-07-16. Review status: criteria provided, single submitter. Criteria: GeneDx Variant Classification Process June 2021. Collection method: clinical testing. Allele origin: germline. Affected: yes.
Comment: Identified in the heterozygous state in a patient with numbness, paresthesia, and distal sensorimotor deficits in the published literature, but familial segregation data is not available (PMID: 33144514); In silico analysis supports that this missense variant has a deleterious effect on protein structure/function; Not observed at significant frequency in large population cohorts (gnomAD); This variant is associated with the following publications: (PMID: 34480178, 33144514)

Labcorp Genetics (formerly Invitae), Labcorp
Classification: Uncertain significance. Last evaluated: 2022-03-08. Review status: criteria provided, single submitter. Criteria: Invitae Variant Classification Sherloc (09022015). Collection method: clinical testing. Allele origin: germline.
Comment: This sequence change replaces glutamine, which is neutral and polar, with proline, which is neutral and non-polar, at codon 569 of the MME protein (p.Gln569Pro). This variant is present in population databases (no rsID available, gnomAD 0.0009%). This missense change has been observed in individual(s) with clinical features of MME-related conditions (PMID: 33144514). ClinVar contains an entry for this variant (Variation ID: 809560). Algorithms developed to predict the effect of missense changes on protein structure and function are either unavailable or do not agree on the potential impact of this missense change (SIFT: "Tolerated"; PolyPhen-2: "Possibly Damaging"; Align-GVGD: "Class C0"). In summary, the available evidence is currently insufficient to determine the role of this variant in disease. Therefore, it has been classified as a Variant of Uncertain Significance.

Institute of Human Genetics, University of Leipzig Medical Center
Classification: Uncertain significance for Spinocerebellar ataxia 43. Last evaluated: 2018-06-20. Review status: criteria provided, single submitter. Criteria: ACMG Guidelines, 2015. Collection method: clinical testing. Allele origin: germline. Affected: yes. Observed: 1 variant allele.

Literature cited by the submitters: PubMed 33144514 (cited by Labcorp Genetics (formerly Invitae), Labcorp).